The following is an entry in ClinVar:

ClinVar aggregate classification (germline): Likely pathogenic (1 of 4 stars; one submission).

Conditions:
FRAS1-related disorder. Also called: FRAS1-related condition.

Submission:

PreventionGenetics, part of Exact Sciences
Classification: Likely pathogenic for FRAS1-related condition. Last evaluated: 2025-12-04. Review status: criteria provided, single submitter. Criteria: ACMG Guidelines, 2015. Collection method: clinical testing. Allele origin: germline.
Comment: The FRAS1 c.10926-1G>C variant is predicted to disrupt the AG splice acceptor site and interfere with normal splicing. To our knowledge, this variant has not been reported in the literature. This variant is absent in a large population database (gnomAD), indicating this variant is rare. Variants that disrupt the consensus splice acceptor site in FRAS1 are an established mechanism of disease. This variant is interpreted as likely pathogenic.

NM_025074.7(FRAS1):c.10926-1G>C

Genes: FRAS1 (Fraser extracellular matrix complex subunit 1; plus strand), LOC126807089 (CDK7 strongly-dependent group 2 enhancer GRCh37_chr4:79455131-79456330; plus strand). Cytogenetic location: 4q21.21.
Variant type: single nucleotide variant.
Coding change: c.10926-1G>C on transcript NM_025074.7 (MANE Select); the canonical splice acceptor site of the intron before coding-DNA position 10926, G replaced by C.
Molecular consequence: splice acceptor variant.
Genome position (GRCh38, 1-based): chr4:78,534,448, G>C. VCF-style: chr4-78534448-G-C. GRCh37 (hg19) VCF-style: chr4-79455602-G-C.
Identifiers: ClinVar variation 4977203 (VCV004977203.1).